The following is an entry in ClinVar:

ClinVar aggregate classification (germline): Benign/Likely benign. Review status: criteria provided, multiple submitters, no conflicts (2 of 4 stars). 2 submissions from 2 submitters: Benign (1); Likely benign (1). Last evaluated 2025-11-08.

Conditions:
DNAH9-related disorder. Also called: DNAH9-related condition.

Allele frequency attached by ClinVar (database versions not stated): gnomAD exomes 0.00011 and 0.00051; ESP Exome Variant Server 0.00015; gnomAD 0.00021 and 0.00025; TOPMed 0.00034; ExAC 0.00042; 1000 Genomes Project 30x 0.00094; 1000 Genomes Project 0.00120.
gnomAD v4.1: 248 of 1,613,238 alleles (0.015%); highest among the groups gnomAD compares: East Asian, 0.35%; 2 homozygotes.

Submissions (2):

Labcorp Genetics (formerly Invitae), Labcorp
Classification: Benign. Last evaluated: 2025-11-08. Review status: criteria provided, single submitter. Criteria: Invitae Variant Classification Sherloc (09022015). Collection method: clinical testing. Allele origin: germline.

PreventionGenetics, part of Exact Sciences
Classification: Likely benign for DNAH9-related condition. Last evaluated: 2024-10-29. Review status: criteria provided, single submitter. Criteria: ACMG Guidelines, 2015. Collection method: clinical testing. Allele origin: germline.
Comment: This variant is classified as likely benign based on ACMG/AMP sequence variant interpretation guidelines (Richards et al. 2015 PMID: 25741868, with internal and published modifications).

NM_001372.4(DNAH9):c.4604A>G (p.Gln1535Arg)

Gene: DNAH9 (dynein axonemal heavy chain 9; plus strand). Cytogenetic location: 17p12.
Variant type: single nucleotide variant.
Coding change: c.4604A>G on transcript NM_001372.4 (MANE Select); coding-DNA position 4604, A replaced by G.
Protein change: p.Gln1535Arg; replaces glutamine 1535 with arginine.
Molecular consequence: missense variant.
Genome position (GRCh38, 1-based): chr17:11,690,426, A>G. VCF-style: chr17-11690426-A-G. GRCh37 (hg19) VCF-style: chr17-11593743-A-G.
Other names: c.4604A>G (NM_001372.3); short protein forms Q1535R.
Identifiers: ClinVar variation 1578096 (VCV001578096.9), dbSNP rs147183329, ClinGen allele CA8395703.
Genomic context (GRCh38, chr17:11,690,426, plus strand): 5'-TGCAGCGAACATGGACTCACCTGGAAAGCATATTCACTGGATCTGAAGATATTCGGGCAC[A>G]GCTACCCCAGGTACCTGCTAAGGAAATCTAGAATCTCTCTATTCTCTGATCCAGGGTGAA-3'
Protein context (NP_001363.2, residues 1525-1545): IFTGSEDIRA[Gln1535Arg]LPQDSKRFEG